The following is an entry in ClinVar:

ClinVar aggregate classification (germline): Conflicting classifications of pathogenicity. Review status: criteria provided, conflicting classifications (1 of 4 stars). 6 submissions from 6 submitters: Uncertain significance (1); Likely benign (5). Last evaluated 2026-09-01.

Conditions:
Cardiovascular phenotype. Identifiers: MedGen CN230736.
TTN-related disorder. Also called: TTN-related condition; TTN-related disease; TTN-related disorders.
Autosomal recessive limb-girdle muscular dystrophy type 2J (LGMDR10). Also called: MUSCULAR DYSTROPHY, LIMB-GIRDLE, AUTOSOMAL RECESSIVE 10; Limb-girdle muscular dystrophy, type 2J. Identifiers: Orphanet 140922, MedGen C1837342, MONDO:0012127, OMIM 608807.
Dilated cardiomyopathy 1G (CMD1G). Identifiers: Orphanet 154, MedGen C1858763, MONDO:0011400, OMIM 604145.

Allele frequency attached by ClinVar (database versions not stated): TOPMed 0.00002; gnomAD 0.00004; gnomAD exomes 0.00005 and 0.00009; ExAC 0.00006; 1000 Genomes Project 30x 0.00016; 1000 Genomes Project 0.00020.
gnomAD v4.1: 132 of 1,539,016 alleles (0.0086%); highest among the groups gnomAD compares: Non-Finnish European, 0.01%; no homozygotes.

Submissions (6):

CeGaT Center for Human Genetics Tuebingen
Classification: Uncertain significance. Last evaluated: 2026-09-01. Review status: criteria provided, single submitter. Criteria: CeGaT Center For Human Genetics Tuebingen Variant Classification Criteria Version 2. Collection method: clinical testing. Allele origin: germline. Affected: yes. Observed: 1 variant allele.
Comment: TTN: PM2, BP4

PreventionGenetics, part of Exact Sciences
Classification: Likely benign for TTN-related condition. Last evaluated: 2026-02-11. Review status: criteria provided, single submitter. Criteria: ACMG Guidelines, 2015. Collection method: clinical testing. Allele origin: germline.
Comment: This variant is classified as likely benign based on ACMG/AMP sequence variant interpretation guidelines (Richards et al. 2015 PMID: 25741868, with internal and published modifications).

Labcorp Genetics (formerly Invitae), Labcorp
Classification: Likely benign for Dilated cardiomyopathy 1G; Autosomal recessive limb-girdle muscular dystrophy type 2J. Last evaluated: 2026-01-07. Review status: criteria provided, single submitter. Criteria: Invitae Variant Classification Sherloc (09022015). Collection method: clinical testing. Allele origin: germline.

Blueprint Genetics
Classification: Likely benign. Last evaluated: 2024-08-30. Review status: criteria provided, single submitter. Criteria: ACMG Guidelines, 2015. Collection method: clinical testing. Allele origin: germline.

Ambry Genetics
Classification: Likely benign for Cardiovascular phenotype. Last evaluated: 2023-06-05. Review status: criteria provided, single submitter. Criteria: Ambry Variant Classification Scheme 2023. Collection method: clinical testing. Allele origin: germline.

GeneDx
Classification: Likely benign. Last evaluated: 2020-06-23. Review status: criteria provided, single submitter. Criteria: GeneDx Variant Classification Process June 2021. Collection method: clinical testing. Allele origin: germline. Affected: yes.

NM_001267550.2(TTN):c.47761-4G>A

Genes: TTN (titin; minus strand), TTN-AS1 (TTN antisense RNA 1; plus strand). Cytogenetic location: 2q31.2.
Variant type: single nucleotide variant.
Coding change: c.47761-4G>A on transcript NM_001267550.2 (MANE Select); 4 bases into the intron before coding-DNA position 47761, G replaced by A.
Molecular consequence: intron variant.
Genome position (GRCh38, 1-based): chr2:178,617,238, C>T on the plus strand (G>A on the coding strand, the complement: TTN is on the minus strand). VCF-style: chr2-178617238-C-T. GRCh37 (hg19) VCF-style: chr2-179481965-C-T.
Other names: c.20566-4G>A (NM_003319.4); c.21142-4G>A (NM_133437.4); c.20941-4G>A (NM_133432.3); c.40057-4G>A (NM_133378.4); c.42838-4G>A (NM_001256850.1).
Identifiers: ClinVar variation 518653 (VCV000518653.20), dbSNP rs564918195, ClinGen allele CA1994977.